The following is an entry in ClinVar:

NM_173560.4(RFX6):c.1216G>C (p.Val406Leu)

Gene: RFX6 (regulatory factor X6; plus strand). Cytogenetic location: 6q22.1.
Variant type: single nucleotide variant.
Coding change: c.1216G>C on transcript NM_173560.4 (MANE Select); coding-DNA position 1216, G replaced by C.
Protein change: p.Val406Leu; replaces valine 406 with leucine.
Molecular consequence: missense variant.
Genome position (GRCh38, 1-based): chr6:116,920,343, G>C. VCF-style: chr6-116920343-G-C. GRCh37 (hg19) VCF-style: chr6-117241506-G-C.
Other names: short protein forms V406L.
Identifiers: ClinVar variation 2459848 (VCV002459848.3), dbSNP rs144460291, ClinGen allele CA3973251.
Genomic context (GRCh38, chr6:116,920,343, plus strand): 5'-AGTGTCTTCTTTACTTTCTCTATGCAGATTGCCAGACCAGCTCTCTTTGACCAGCATGTC[G>C]TTAATTCTATGGTGTCTGATATTGAAAGGGTTGATTTGAACAGCATTGGCTCTCAAGCCC-3'
Protein context (NP_775831.2, residues 396-416): ARPALFDQHV[Val406Leu]NSMVSDIERV

ClinVar aggregate classification (germline): Uncertain significance. Review status: criteria provided, multiple submitters, no conflicts (2 of 4 stars). 2 submissions from 2 submitters: Uncertain significance (2). Last evaluated 2026-05-11.

Conditions:
RFX6-related disorder. Also called: RFX6-related condition.
Inborn genetic diseases. Identifiers: MedGen C0950123, MeSH D030342.

Allele frequency attached by ClinVar (database versions not stated): gnomAD 0.00012; ESP Exome Variant Server 0.00015.
gnomAD v4.1: 152 of 1,612,104 alleles (0.0094%); highest among the groups gnomAD compares: Non-Finnish European, 0.012%; no homozygotes.

Submissions (2):

PreventionGenetics, part of Exact Sciences
Classification: Uncertain significance for RFX6-related condition. Last evaluated: 2026-05-11. Review status: criteria provided, single submitter. Criteria: ACMG Guidelines, 2015. Collection method: clinical testing. Allele origin: germline.
Comment: The RFX6 c.1216G>C variant is predicted to result in the amino acid substitution p.Val406Leu. To our knowledge, this variant has not been reported in the literature. This variant is reported in 0.0085% of alleles in individuals of European (Non-Finnish) descent in gnomAD. A different variant affecting the same amino acid (p.Val406Ile) has been reported in an individual with MODY (Mohan et al. 2018. PubMed ID: 29439679). At this time, the clinical significance of this variant is uncertain due to the absence of conclusive functional and genetic evidence.

Ambry Genetics
Classification: Uncertain significance for Inborn genetic diseases. Last evaluated: 2023-02-22. Review status: criteria provided, single submitter. Criteria: Ambry Variant Classification Scheme 2023. Collection method: clinical testing. Allele origin: germline.